The following is an entry in ClinVar:

ClinVar aggregate classification (germline): Conflicting classifications of pathogenicity. Review status: criteria provided, conflicting classifications (1 of 4 stars). 2 submissions from 2 submitters: Uncertain significance (1); Likely benign (1). Last evaluated 2024-11-14.

Conditions:
Hereditary cancer-predisposing syndrome. Also called: Neoplastic Syndromes, Hereditary; Hereditary neoplastic syndrome; Hereditary Cancer Syndrome; Tumor predisposition. Identifiers: Orphanet 140162, MedGen C0027672, MeSH D009386, MONDO:0015356.
Tuberous sclerosis 2 (TSC2). Identifiers: Orphanet 805, MedGen C1860707, MONDO:0013199, OMIM 613254.

Submissions (2):

Ambry Genetics
Classification: Uncertain significance for Hereditary cancer-predisposing syndrome. Last evaluated: 2024-11-14. Review status: criteria provided, single submitter. Criteria: Ambry Variant Classification Scheme 2023. Collection method: clinical testing. Allele origin: germline.
Comment: The c.2546-6C>A intronic alteration consists of a C to A substitution 6 nucleotides before coding exon 22 in the TSC2 gene. Based on insufficient or conflicting evidence, the clinical significance of this alteration remains unclear.

Labcorp Genetics (formerly Invitae), Labcorp
Classification: Likely benign for Tuberous sclerosis 2. Last evaluated: 2024-06-15. Review status: criteria provided, single submitter. Criteria: Invitae Variant Classification Sherloc (09022015). Collection method: clinical testing. Allele origin: germline.

NM_000548.5(TSC2):c.2546-6C>A

Gene: TSC2 (TSC complex subunit 2; plus strand). Cytogenetic location: 16p13.3.
Variant type: single nucleotide variant.
Coding change: c.2546-6C>A on transcript NM_000548.5 (MANE Select); 6 bases into the intron before coding-DNA position 2546, C replaced by A.
Molecular consequence: intron variant.
Genome position (GRCh38, 1-based): chr16:2,075,793, C>A. VCF-style: chr16-2075793-C-A. GRCh37 (hg19) VCF-style: chr16-2125794-C-A.
Other names: c.2546-6C>A (NM_001114382.3, NM_021055.3, NM_001370405.1 and 4 more transcripts); c.2435-6C>A (NM_001318827.2); c.1946-6C>A (NM_001318831.2); c.2399-6C>A (NM_001318829.2); c.2579-6C>A (NM_001318832.2).
Identifiers: ClinVar variation 1400032 (VCV001400032.7), dbSNP rs372088609, ClinGen allele CA2573151527.